The following is an entry in ClinVar:

ClinVar aggregate classification (germline): Uncertain significance (1 of 4 stars; one submission).

Conditions:
Fanconi anemia (FA). Also called: Fanconi's anemia. Identifiers: Orphanet 84, MedGen C0015625, MeSH D005199, MONDO:0019391.

Allele frequency attached by ClinVar (database versions not stated): gnomAD exomes below 0.00001.
gnomAD v4.1: 1 of 1,606,450 alleles (0.000062%); highest among the groups gnomAD compares: Non-Finnish European, 0.000085%; no homozygotes.

Submission:

Labcorp Genetics (formerly Invitae), Labcorp
Classification: Uncertain significance for Fanconi anemia. Last evaluated: 2022-01-16. Review status: criteria provided, single submitter. Criteria: Invitae Variant Classification Sherloc (09022015). Collection method: clinical testing. Allele origin: germline.
Comment: This sequence change replaces serine, which is neutral and polar, with isoleucine, which is neutral and non-polar, at codon 1176 of the FANCA protein (p.Ser1176Ile). This variant is not present in population databases (gnomAD no frequency). This variant has not been reported in the literature in individuals affected with FANCA-related conditions. Advanced modeling of protein sequence and biophysical properties (such as structural, functional, and spatial information, amino acid conservation, physicochemical variation, residue mobility, and thermodynamic stability) performed at Invitae indicates that this missense variant is not expected to disrupt FANCA protein function. In summary, the available evidence is currently insufficient to determine the role of this variant in disease. Therefore, it has been classified as a Variant of Uncertain Significance.

NM_000135.4(FANCA):c.3527G>T (p.Ser1176Ile)

Gene: FANCA (FA complementation group A; minus strand). Cytogenetic location: 16q24.3.
Variant type: single nucleotide variant.
Coding change: c.3527G>T on transcript NM_000135.4 (MANE Select); coding-DNA position 3527, G replaced by T.
Protein change: p.Ser1176Ile; replaces serine 1176 with isoleucine.
Molecular consequence: missense variant.
Genome position (GRCh38, 1-based): chr16:89,745,058, C>A on the plus strand (G>T on the coding strand, the complement: FANCA is on the minus strand). VCF-style: chr16-89745058-C-A. GRCh37 (hg19) VCF-style: chr16-89811466-C-A.
Other names: c.3527G>T, p.Ser1176Ile (NM_001286167.3); short protein forms S1176I.
Identifiers: ClinVar variation 1965026 (VCV001965026.2), dbSNP rs2544114034, ClinGen allele CA397485767.